The following is an entry in ClinVar:

NM_003244.4(TGIF1):c.487C>T (p.Pro163Ser)

Gene: TGIF1 (TGFB induced factor homeobox 1; plus strand). Cytogenetic location: 18p11.31.
Variant type: single nucleotide variant.
Coding change: c.487C>T on transcript NM_003244.4 (MANE Select); coding-DNA position 487, C replaced by T.
Protein change: p.Pro163Ser; replaces proline 163 with serine.
Molecular consequence: missense variant.
Genome position (GRCh38, 1-based): chr18:3,457,608, C>T. VCF-style: chr18-3457608-C-T. GRCh37 (hg19) VCF-style: chr18-3457606-C-T.
Other names: c.496C>T, p.Pro166Ser (NM_001278682.2); c.487C>T, p.Pro163Ser (NM_001278684.2, NM_173208.3); c.427C>T, p.Pro143Ser (NM_001278686.3, NM_001374396.1, NM_001374397.1 and 5 more transcripts); c.529C>T, p.Pro177Ser (NM_173207.4); c.487C>T (NM_003244.2); short protein forms P163S, P143S, P177S, P166S.
Identifiers: ClinVar variation 259016 (VCV000259016.27), dbSNP rs4468717, ClinGen allele CA8875963.

ClinVar aggregate classification (germline): Benign/Likely benign. Review status: criteria provided, multiple submitters, no conflicts (2 of 4 stars). 6 submissions from 6 submitters: Benign (5); Likely benign (1). Last evaluated 2026-02-03.

Conditions:
Holoprosencephaly 4 (HPE4). Identifiers: Orphanet 2162, MedGen C1840528, MONDO:0007734, OMIM 142946.

Allele frequency attached by ClinVar (database versions not stated): gnomAD exomes 0.07254 and 0.06380; 1000 Genomes Project 30x 0.02983; 1000 Genomes Project 0.03135; TOPMed 0.05099; ESP Exome Variant Server 0.05697; gnomAD 0.05931 and 0.06068; ExAC 0.06024.

Submissions (6):

Labcorp Genetics (formerly Invitae), Labcorp
Classification: Benign for Holoprosencephaly 4. Last evaluated: 2026-02-03. Review status: criteria provided, single submitter. Criteria: Invitae Variant Classification Sherloc (09022015). Collection method: clinical testing. Allele origin: germline.

Blueprint Genetics
Classification: Benign. Last evaluated: 2024-11-28. Review status: criteria provided, single submitter. Criteria: ACMG Guidelines, 2015. Collection method: clinical testing. Allele origin: germline.

ARUP Laboratories, Molecular Genetics and Genomics, ARUP Laboratories
Classification: Benign for Holoprosencephaly 4. Last evaluated: 2023-11-29. Review status: criteria provided, single submitter. Criteria: ARUP Molecular Germline Variant Investigation Process 2024. Collection method: clinical testing. Allele origin: germline.

GeneDx
Classification: Benign. Last evaluated: 2015-03-03. Review status: criteria provided, single submitter. Criteria: GeneDx Variant Classification Process June 2021. Collection method: clinical testing. Allele origin: germline. Affected: yes.
Comment: This variant is associated with the following publications: (PMID: 24215395)

Breakthrough Genomics
Classification: Likely benign. Review status: criteria provided, single submitter. Criteria: ACMG Guidelines, 2015. Collection method: not provided. Allele origin: germline. Inheritance: Autosomal dominant inheritance. Affected: yes.

PreventionGenetics, part of Exact Sciences
Classification: Benign. Review status: criteria provided, single submitter. Criteria: ACMG Guidelines, 2015. Collection method: clinical testing. Allele origin: germline.